The following is an entry in ClinVar:

NM_024426.6(WT1):c.1124G>A (p.Arg375His)

Gene: WT1 (WT1 transcription factor; minus strand). Cytogenetic location: 11p13.
Variant type: single nucleotide variant.
Coding change: c.1124G>A on transcript NM_024426.6 (MANE Select); coding-DNA position 1124, G replaced by A.
Protein change: p.Arg375His; replaces arginine 375 with histidine.
Molecular consequence: missense variant. On other transcripts: 5 prime UTR variant (1), non-coding transcript variant (1).
Genome position (GRCh38, 1-based): chr11:32,396,397, C>T on the plus strand (G>A on the coding strand, the complement: WT1 is on the minus strand). VCF-style: chr11-32396397-C-T. GRCh37 (hg19) VCF-style: chr11-32417943-C-T.
Other names: c.1073G>A, p.Arg358His (NM_000378.6, NM_001407045.1, NM_001407048.1 and 1 more transcripts); c.473G>A, p.Arg158His (NM_001198551.2); c.422G>A, p.Arg141His (NM_001198552.2); c.-65G>A (NM_001367854.1); c.1118G>A, p.Arg373His (NM_001407044.1); c.1124G>A, p.Arg375His (NM_001407046.1, NM_024424.5); c.1001G>A, p.Arg334His (NM_001407047.1); c.950G>A, p.Arg317His (NM_001407050.1); and 2 more; short protein forms R158H, R375H, R141H, R358H, R334H, R373H, R353H, R121H.
Identifiers: ClinVar variation 406692 (VCV000406692.15), dbSNP rs554416372, ClinGen allele CA064260.

ClinVar aggregate classification (germline): Conflicting classifications of pathogenicity. Review status: criteria provided, conflicting classifications (1 of 4 stars). 8 submissions from 6 submitters: Uncertain significance (3); Benign (2); Likely benign (3). Last evaluated 2026-01-26.

Conditions:
Frasier syndrome. Identifiers: Orphanet 347, MedGen C0950122, MeSH D052159, MONDO:0007635, OMIM 136680.
Wilms tumor 1 (WT1). Also called: Wilms tumor, somatic. Identifiers: Orphanet 654, MedGen CN033288, MONDO:0008679, OMIM 194070.
11p partial monosomy syndrome (WAGR). Also called: CHROMOSOME 11p13 DELETION SYNDROME; WAGR Spectrum Disorder; WAGR syndrome; WAGR Complex. Identifiers: Orphanet 893, MedGen C0206115, MONDO:0008681, OMIM 194072.
Drash syndrome (DDS). Also called: NEPHROPATHY, WILMS TUMOR, AND GENITAL ANOMALIES; WILMS TUMOR AND PSEUDO- OR TRUE HERMAPHRODITISM. Identifiers: Orphanet 220, MedGen C0950121, MONDO:0008682, OMIM 194080.
Inborn genetic diseases. Identifiers: MedGen C0950123, MeSH D030342.
Nephrotic syndrome, type 4 (NPHS4). Also called: Familial mesangial sclerosis; Nephrotic syndrome, early onset with diffuse mesangial sclerosis. Identifiers: Orphanet 656, MedGen C3151568, MONDO:0009733, OMIM 256370.
Meacham syndrome. Also called: Meacham Winn Culler syndrome. Identifiers: Orphanet 3097, MedGen C1837026, MONDO:0012164, OMIM 608978.

Allele frequency attached by ClinVar (database versions not stated): gnomAD 0.00003; TOPMed 0.00009; 1000 Genomes Project 30x 0.00016; 1000 Genomes Project 0.00020.
gnomAD v4.1: 59 of 1,613,970 alleles (0.0037%); highest among the groups gnomAD compares: Middle Eastern, 0.033%; no homozygotes.

Submissions (8):

Labcorp Genetics (formerly Invitae), Labcorp
Classification: Likely benign for Wilms tumor 1; Drash syndrome; 11p partial monosomy syndrome; Frasier syndrome. Last evaluated: 2026-01-26. Review status: criteria provided, single submitter. Criteria: Invitae Variant Classification Sherloc (09022015). Collection method: clinical testing. Allele origin: germline.

Ambry Genetics
Classification: Benign for Inborn genetic diseases. Last evaluated: 2024-08-29. Review status: criteria provided, single submitter. Criteria: Ambry Variant Classification Scheme 2023. Collection method: clinical testing. Allele origin: germline.

Color Diagnostics, LLC DBA Color Health
Classification: Uncertain significance for Wilms tumor 1. Last evaluated: 2024-08-23. Review status: criteria provided, single submitter. Criteria: ACMG Guidelines, 2015. Collection method: clinical testing. Allele origin: germline.
Comment: This missense variant replaces arginine with histidine at codon 370 of the WT1 protein. Computational prediction is inconclusive regarding the impact of this variant on protein structure and function. A functional study has shown this variant may impact regulation of downstream gene expression (PMID: 26358501). This variant has been reported in an individual affected with premature ovarian failure (PMID: 26358501). This variant has been identified in 25/282626 chromosomes in the general population by the Genome Aggregation Database (gnomAD). The available evidence is insufficient to determine the role of this variant in disease conclusively. Therefore, this variant is classified as a Variant of Uncertain Significance.

Blueprint Genetics
Classification: Likely benign. Last evaluated: 2024-05-24. Review status: criteria provided, single submitter. Criteria: ACMG Guidelines, 2015. Collection method: clinical testing. Allele origin: germline.

GeneDx
Classification: Uncertain significance. Last evaluated: 2023-11-07. Review status: criteria provided, single submitter. Criteria: GeneDx Variant Classification Process June 2021. Collection method: clinical testing. Allele origin: germline. Affected: yes.
Comment: In silico analysis supports that this missense variant has a deleterious effect on protein structure/function; Published functional studies demonstrate loss of the wild-type ability to activate AMH and CDH1 and downregulate FSHR and CYP19 (PMID: 26358501); This variant is associated with the following publications: (PMID: 30108436, 29582157, 28368522, 28334862, 30122538, 34426522, 35297982, 17361230, 29958641, 26358501)

Illumina Laboratory Services, Illumina
Classification: Benign for Meacham syndrome. Last evaluated: 2017-04-28. Review status: criteria provided, single submitter. Criteria: ICSL Variant Classification Criteria 13 December 2019. Collection method: clinical testing. Allele origin: germline.
Comment: This variant was observed as part of a predisposition screen in an ostensibly healthy population. A literature search was performed for the gene, cDNA change, and amino acid change (where applicable). Publications were found based on this search. The evidence from the literature, in combination with allele frequency data from public databases where available, was sufficient to rule this variant out of causing disease. Therefore, this variant is classified as benign.

Illumina Laboratory Services, Illumina
Classification: Uncertain significance for Nephrotic syndrome, type 4. Last evaluated: 2017-04-28. Review status: criteria provided, single submitter. Criteria: ICSL Variant Classification Criteria 13 December 2019. Collection method: clinical testing. Allele origin: germline.
Comment: This variant was observed as part of a predisposition screen in an ostensibly healthy population. A literature search was performed for the gene, cDNA change, and amino acid change (where applicable). Publications were found based on this search. However, the evidence from the literature, in combination with allele frequency data from public databases where available, was not sufficient to rule this variant in or out of causing disease. Therefore, this variant is classified as a variant of unknown significance.

Illumina Laboratory Services, Illumina
Classification: Likely benign for Wilms tumor 1. Last evaluated: 2017-04-28. Review status: criteria provided, single submitter. Criteria: ICSL Variant Classification Criteria 13 December 2019. Collection method: clinical testing. Allele origin: germline.
Comment: This variant was observed as part of a predisposition screen in an ostensibly healthy population. A literature search was performed for the gene, cDNA change, and amino acid change (where applicable). Publications were found based on this search. The evidence from the literature, in combination with allele frequency data from public databases where available, was sufficient to determine this variant is unlikely to cause disease. Therefore, this variant is classified as likely benign.

Literature cited by the submitters: PubMed 26358501 (cited by Color Diagnostics, LLC DBA Color Health and Illumina Laboratory Services, Illumina).